The following is an entry in ClinVar:

ClinVar aggregate classification (germline): Uncertain significance (1 of 4 stars; one submission).

gnomAD v4.1: 1 of 1,614,116 alleles (0.000062%); highest among the groups gnomAD compares: Non-Finnish European, 0.000085%; no homozygotes.

Submission:

GeneDx
Classification: Uncertain significance. Last evaluated: 2022-12-21. Review status: criteria provided, single submitter. Criteria: GeneDx Variant Classification Process June 2021. Collection method: clinical testing. Allele origin: germline. Affected: yes.
Comment: Not observed at significant frequency in large population cohorts (gnomAD); In silico analysis supports that this missense variant has a deleterious effect on protein structure/function; Has not been previously published as pathogenic or benign to our knowledge

NM_052989.3(IFT122):c.1730A>C (p.Asn577Thr)

Gene: IFT122 (intraflagellar transport 122; plus strand). Cytogenetic location: 3q21.3.
Variant type: single nucleotide variant.
Coding change: c.1730A>C on transcript NM_052989.3 (MANE Select); coding-DNA position 1730, A replaced by C.
Protein change: p.Asn577Thr; replaces asparagine 577 with threonine.
Molecular consequence: missense variant.
Genome position (GRCh38, 1-based): chr3:129,483,561, A>C. VCF-style: chr3-129483561-A-C. GRCh37 (hg19) VCF-style: chr3-129202404-A-C.
Other names: c.1706A>C, p.Asn569Thr (NM_001280541.2); c.1280A>C, p.Asn427Thr (NM_001280545.2); c.1103A>C, p.Asn368Thr (NM_001280546.2); c.1730A>C, p.Asn577Thr (NM_001410808.1, NM_001410809.1); c.1553A>C, p.Asn518Thr (NM_001410810.1, NM_001410811.1, NM_001410813.1 and 1 more transcripts); c.1397A>C, p.Asn466Thr (NM_001410815.1, NM_001410817.1, NM_052990.3); c.1883A>C, p.Asn628Thr (NM_052985.4); short protein forms N368T, N427T, N466T, N518T, N569T, N577T, N628T.
Identifiers: ClinVar variation 2506826 (VCV002506826.1), dbSNP rs777437054, ClinGen allele CA354477182.